The following is an entry in ClinVar:

ClinVar aggregate classification (germline): Uncertain significance (1 of 4 stars; one submission).

Submission:

Labcorp Genetics (formerly Invitae), Labcorp
Classification: Uncertain significance. Last evaluated: 2021-02-19. Review status: criteria provided, single submitter. Criteria: Invitae Variant Classification Sherloc (09022015). Collection method: clinical testing. Allele origin: germline.
Comment: This sequence change replaces glycine with arginine at codon 1395 of the COL7A1 protein (p.Gly1395Arg). The glycine residue is highly conserved and there is a moderate physicochemical difference between glycine and arginine. This variant is not present in population databases (ExAC no frequency). This variant has not been reported in the literature in individuals with COL7A1-related conditions. Advanced modeling of protein sequence and biophysical properties (such as structural, functional, and spatial information, amino acid conservation, physicochemical variation, residue mobility, and thermodynamic stability) performed at Invitae indicates that this missense variant is expected to disrupt COL7A1 protein function. In summary, the available evidence is currently insufficient to determine the role of this variant in disease. Therefore, it has been classified as a Variant of Uncertain Significance.

NM_000094.4(COL7A1):c.4183G>A (p.Gly1395Arg)

Gene: COL7A1 (collagen type VII alpha 1 chain; minus strand). Cytogenetic location: 3p21.31.
Variant type: single nucleotide variant.
Coding change: c.4183G>A on transcript NM_000094.4 (MANE Select); coding-DNA position 4183, G replaced by A.
Protein change: p.Gly1395Arg; replaces glycine 1395 with arginine.
Molecular consequence: missense variant.
Genome position (GRCh38, 1-based): chr3:48,584,312, C>T on the plus strand (G>A on the coding strand, the complement: COL7A1 is on the minus strand). VCF-style: chr3-48584312-C-T. GRCh37 (hg19) VCF-style: chr3-48621745-C-T.
Other names: short protein forms G1395R.
Identifiers: ClinVar variation 1374249 (VCV001374249.8), dbSNP rs2107732981, ClinGen allele CA352695087.